The following is an entry in ClinVar:

NM_022455.5(NSD1):c.6524G>C (p.Cys2175Ser)

Gene: NSD1 (nuclear receptor binding SET domain protein 1; plus strand). Cytogenetic location: 5q35.3.
Variant type: single nucleotide variant.
Coding change: c.6524G>C on transcript NM_022455.5 (MANE Select); coding-DNA position 6524, G replaced by C.
Protein change: p.Cys2175Ser; replaces cysteine 2175 with serine.
Molecular consequence: missense variant.
Genome position (GRCh38, 1-based): chr5:177,293,892, G>C. VCF-style: chr5-177293892-G-C. GRCh37 (hg19) VCF-style: chr5-176720893-G-C.
Other names: c.6104G>C, p.Cys2035Ser (NM_001409304.1); c.5771G>C, p.Cys1924Ser (NM_001409305.1); c.5762G>C, p.Cys1921Ser (NM_001409306.1, NM_001409307.1); c.5651G>C, p.Cys1884Ser (NM_001409308.1, NM_172349.5, NM_001365684.2); c.5402G>C, p.Cys1801Ser (NM_001409309.1); c.6524G>C, p.Cys2175Ser (NM_001409301.1, NM_001409302.1, NM_001409303.1); short protein forms C1884S, C1921S, C2175S, C1801S, C2035S, C1924S.
Identifiers: ClinVar variation 3719717 (VCV003719717.2).

ClinVar aggregate classification (germline): Likely pathogenic (1 of 4 stars; one submission).

Submission:

Labcorp Genetics (formerly Invitae), Labcorp
Classification: Likely pathogenic. Last evaluated: 2025-01-01. Review status: criteria provided, single submitter. Criteria: Invitae Variant Classification Sherloc (09022015). Collection method: clinical testing. Allele origin: germline.
Comment: This sequence change replaces cysteine, which is neutral and slightly polar, with serine, which is neutral and polar, at codon 2175 of the NSD1 protein (p.Cys2175Ser). This variant is not present in population databases (gnomAD no frequency). This missense change has been observed in individuals with clinical features of Sotos syndrome (PMID: 19545651; internal data). Invitae Evidence Modeling of protein sequence and biophysical properties (such as structural, functional, and spatial information, amino acid conservation, physicochemical variation, residue mobility, and thermodynamic stability) indicates that this missense variant is expected to disrupt NSD1 protein function with a positive predictive value of 95%. In summary, the currently available evidence indicates that the variant is pathogenic, but additional data are needed to prove that conclusively. Therefore, this variant has been classified as Likely Pathogenic.

Literature cited by the submitters: PubMed 19545651.